The following is an entry in ClinVar:

ClinVar aggregate classification (germline): Uncertain significance (1 of 4 stars; one submission).

Allele frequency attached by ClinVar (database versions not stated): gnomAD 0.00001; TOPMed 0.00001.
gnomAD v4.1: 1 of 1,526,490 alleles (0.000066%); highest among the groups gnomAD compares: Non-Finnish European, 0.000088%; no homozygotes.

Submission:

Labcorp Genetics (formerly Invitae), Labcorp
Classification: Uncertain significance. Last evaluated: 2024-01-07. Review status: criteria provided, single submitter. Criteria: Invitae Variant Classification Sherloc (09022015). Collection method: clinical testing. Allele origin: germline.
Comment: This sequence change replaces lysine, which is basic and polar, with isoleucine, which is neutral and non-polar, at codon 7 of the FOCAD protein (p.Lys7Ile). This variant is not present in population databases (gnomAD no frequency). This variant has not been reported in the literature in individuals affected with FOCAD-related conditions. Experimental studies and prediction algorithms are not available or were not evaluated, and the functional significance of this variant is currently unknown. In summary, the available evidence is currently insufficient to determine the role of this variant in disease. Therefore, it has been classified as a Variant of Uncertain Significance.

NM_001375567.1(FOCAD):c.20A>T (p.Lys7Ile)

Gene: FOCAD (focadhesin; plus strand). Cytogenetic location: 9p21.3.
Variant type: single nucleotide variant.
Coding change: c.20A>T on transcript NM_001375567.1 (MANE Select); coding-DNA position 20, A replaced by T.
Protein change: p.Lys7Ile; replaces lysine 7 with isoleucine.
Molecular consequence: missense variant.
Genome position (GRCh38, 1-based): chr9:20,715,373, A>T. VCF-style: chr9-20715373-A-T. GRCh37 (hg19) VCF-style: chr9-20715372-A-T.
Other names: c.20A>T, p.Lys7Ile (NM_001375568.1, NM_001375570.1, NM_017794.5); short protein forms K7I.
Identifiers: ClinVar variation 2708154 (VCV002708154.3), dbSNP rs1825246386, ClinGen allele CA373041494.
Genomic context (GRCh38, chr9:20,715,373, plus strand): 5'-TGGTTACAGAAGCTGCACACATACATGTAAGAGAAGCAAAAATGTCAGATGATATCAGGA[A>T]AAGGTTTGAATTTCCAAATTCTCTTATCCAATCACAGGTAATTTTGTTTGTTTATTTTTG-3'
Protein context (NP_001362496.1, residues 1-17): MSDDIR[Lys7Ile]RFEFPNSLIQ